The following is an entry in ClinVar:

ClinVar aggregate classification (germline): Uncertain significance (1 of 4 stars; one submission).

Conditions:
Inborn genetic diseases. Identifiers: MedGen C0950123, MeSH D030342.

Submission:

Ambry Genetics
Classification: Uncertain significance for Inborn genetic diseases. Last evaluated: 2025-12-20. Review status: criteria provided, single submitter. Criteria: Ambry Variant Classification Scheme 2023. Collection method: clinical testing. Allele origin: germline.
Comment: The p.Q955E variant (also known as c.2863C>G), located in coding exon 12 of the BMPR2 gene, results from a C to G substitution at nucleotide position 2863. The glutamine at codon 955 is replaced by glutamic acid, an amino acid with highly similar properties. This amino acid position is conserved. In addition, this alteration is predicted to be tolerated by in silico analysis. Based on the available evidence, the clinical significance of this variant remains unclear.

NM_001204.7(BMPR2):c.2863C>G (p.Gln955Glu)

Gene: BMPR2 (bone morphogenetic protein receptor type 2; plus strand). Cytogenetic location: 2q33.2.
Variant type: single nucleotide variant.
Coding change: c.2863C>G on transcript NM_001204.7 (MANE Select); coding-DNA position 2863, C replaced by G.
Protein change: p.Gln955Glu; replaces glutamine 955 with glutamic acid.
Molecular consequence: missense variant.
Genome position (GRCh38, 1-based): chr2:202,556,528, C>G. VCF-style: chr2-202556528-C-G. GRCh37 (hg19) VCF-style: chr2-203421251-C-G.
Other names: short protein forms Q955E.
Identifiers: ClinVar variation 4843354 (VCV004843354.1).